The following is an entry in ClinVar:

NM_000321.3(RB1):c.1789C>A (p.Gln597Lys)

Gene: RB1 (RB transcriptional corepressor 1; plus strand). Cytogenetic location: 13q14.2.
Variant type: single nucleotide variant.
Coding change: c.1789C>A on transcript NM_000321.3 (MANE Select); coding-DNA position 1789, C replaced by A.
Protein change: p.Gln597Lys; replaces glutamine 597 with lysine.
Molecular consequence: missense variant.
Genome position (GRCh38, 1-based): chr13:48,453,086, C>A. VCF-style: chr13-48453086-C-A. GRCh37 (hg19) VCF-style: chr13-49027222-C-A.
Other names: c.1789C>A (NM_000321.2); short protein forms Q597K.
Identifiers: ClinVar variation 1418955 (VCV001418955.10), dbSNP rs1566233076, ClinGen allele CA388165614.
Genomic context (GRCh38, chr13:48,453,086, plus strand): 5'-AAGGACCGAGAAGGACCAACTGATCACCTTGAATCTGCTTGTCCTCTTAATCTTCCTCTC[C>A]AGAATAATCACACTGCAGCAGATATGTAAGCAAAATATATGTTATGTTGACCATTCAAAC-3'
Protein context (NP_000312.2, residues 587-607): ESACPLNLPL[Gln597Lys]NNHTAADMYL

ClinVar aggregate classification (germline): Uncertain significance. Review status: criteria provided, multiple submitters, no conflicts (2 of 4 stars). 3 submissions from 3 submitters: Uncertain significance (3). Last evaluated 2023-12-02.

Conditions:
Hereditary cancer-predisposing syndrome. Also called: Neoplastic Syndromes, Hereditary; Hereditary Cancer Syndrome; Hereditary neoplastic syndrome; Tumor predisposition. Identifiers: Orphanet 140162, MedGen C0027672, MeSH D009386, MONDO:0015356.
Retinoblastoma (RB1). Also called: RETINOBLASTOMA, SOMATIC. Identifiers: Orphanet 790, MedGen C0035335, MeSH D012175, MONDO:0008380, OMIM 180200, HP:0009919. Disease mechanism: loss of function. Inheritance: Both sporadic and heritable forms are tested..

Allele frequency attached by ClinVar (database versions not stated): gnomAD exomes 0.00001.
gnomAD v4.1: 8 of 1,612,862 alleles (0.0005%); highest among the groups gnomAD compares: South Asian, 0.0088%; no homozygotes.

Submissions (3):

Ambry Genetics
Classification: Uncertain significance for Hereditary cancer-predisposing syndrome. Last evaluated: 2023-12-02. Review status: criteria provided, single submitter. Criteria: Ambry Variant Classification Scheme 2023. Collection method: clinical testing. Allele origin: germline.
Comment: The p.Q597K variant (also known as c.1789C>A), located in coding exon 18 of the RB1 gene, results from a C to A substitution at nucleotide position 1789. The glutamine at codon 597 is replaced by lysine, an amino acid with similar properties. This amino acid position is conserved. In addition, this alteration is predicted to be deleterious by in silico analysis. Since supporting evidence is limited at this time, the clinical significance of this alteration remains unclear.

All of Us Research Program, National Institutes of Health
Classification: Uncertain significance for Retinoblastoma. Last evaluated: 2023-05-16. Review status: criteria provided, single submitter. Criteria: ACMG Guidelines, 2015. Collection method: clinical testing. Allele origin: germline. Inheritance: Autosomal dominant inheritance. Observed: 1 variant allele, 1 heterozygote.
Comment: This missense variant replaces glutamine with lysine at codon 597 of the RB1 protein. Computational prediction is inconclusive regarding the impact of this variant on protein structure and function (internally defined REVEL score threshold 0.5 < inconclusive < 0.7, PMID: 27666373). To our knowledge, functional studies have not been reported for this variant. This variant has not been reported in individuals affected with RB1-related disorders in the literature. This variant has not been identified in the general population by the Genome Aggregation Database (gnomAD). The available evidence is insufficient to determine the role of this variant in disease conclusively. Therefore, this variant is classified as a Variant of Uncertain Significance.

This study involves interpretation of variants in research participants for the purpose of population health screening. Participant phenotype was not available at the time of variant classification. Additional details can be found in publication PMID: 35346344, PMCID: PMC8962531

Labcorp Genetics (formerly Invitae), Labcorp
Classification: Uncertain significance for Retinoblastoma. Last evaluated: 2022-10-27. Review status: criteria provided, single submitter. Criteria: Invitae Variant Classification Sherloc (09022015). Collection method: clinical testing. Allele origin: germline.
Comment: ClinVar contains an entry for this variant (Variation ID: 1418955). In summary, the available evidence is currently insufficient to determine the role of this variant in disease. Therefore, it has been classified as a Variant of Uncertain Significance. Advanced modeling of protein sequence and biophysical properties (such as structural, functional, and spatial information, amino acid conservation, physicochemical variation, residue mobility, and thermodynamic stability) performed at Invitae indicates that this missense variant is not expected to disrupt RB1 protein function. This variant has not been reported in the literature in individuals affected with RB1-related conditions. This variant is not present in population databases (gnomAD no frequency). This sequence change replaces glutamine, which is neutral and polar, with lysine, which is basic and polar, at codon 597 of the RB1 protein (p.Gln597Lys).